The following is an entry in ClinVar:

NM_004260.4(RECQL4):c.3247C>A (p.Pro1083Thr)

Gene: RECQL4 (RecQ like helicase 4; minus strand). Cytogenetic location: 8q24.3.
Variant type: single nucleotide variant.
Coding change: c.3247C>A on transcript NM_004260.4 (MANE Select); coding-DNA position 3247, C replaced by A.
Protein change: p.Pro1083Thr; replaces proline 1083 with threonine.
Molecular consequence: missense variant.
Genome position (GRCh38, 1-based): chr8:144,512,057, G>T on the plus strand (C>A on the coding strand, the complement: RECQL4 is on the minus strand). VCF-style: chr8-144512057-G-T. GRCh37 (hg19) VCF-style: chr8-145737440-G-T.
Other names: short protein forms P1083T.
Identifiers: ClinVar variation 842497 (VCV000842497.6), dbSNP rs374434439, ClinGen allele CA187679217.
Genomic context (GRCh38, chr8:144,512,057, plus strand): 5'-GGTCCTTGAGCCTGGTGCTGCGCTCCTCATCCTGCTGCTCCAGGCAGGGCCCGCAGCTGG[G>T]GAAGGCTACGCTGTGGGGAGGAGCCTGTCAGAGCTGATCACTGCGGGAGGGTGGATGGTC-3'
Protein context (NP_004251.4, residues 1073-1093): TFQAFHSVAF[Pro1083Thr]SCGPCLEQQD

ClinVar aggregate classification (germline): Uncertain significance (1 of 4 stars; one submission).

Conditions:
Baller-Gerold syndrome (BGS). Also called: CRANIOSYNOSTOSIS WITH RADIAL DEFECTS. Identifiers: Orphanet 1225, MedGen C0265308, MONDO:0009039, OMIM 218600.

Allele frequency attached by ClinVar (database versions not stated): gnomAD exomes below 0.00001; TOPMed 0.00001; ESP Exome Variant Server 0.00008.
gnomAD v4.1: 1 of 1,608,146 alleles (0.000062%); highest among the groups gnomAD compares: Non-Finnish European, 0.000085%; no homozygotes.

Submission:

Labcorp Genetics (formerly Invitae), Labcorp
Classification: Uncertain significance for Baller-Gerold syndrome. Last evaluated: 2023-05-16. Review status: criteria provided, single submitter. Criteria: Invitae Variant Classification Sherloc (09022015). Collection method: clinical testing. Allele origin: germline.
Comment: In summary, the available evidence is currently insufficient to determine the role of this variant in disease. Therefore, it has been classified as a Variant of Uncertain Significance. Advanced modeling of protein sequence and biophysical properties (such as structural, functional, and spatial information, amino acid conservation, physicochemical variation, residue mobility, and thermodynamic stability) has been performed at Invitae for this missense variant, however the output from this modeling did not meet the statistical confidence thresholds required to predict the impact of this variant on RECQL4 protein function. ClinVar contains an entry for this variant (Variation ID: 842497). This variant has not been reported in the literature in individuals affected with RECQL4-related conditions. This variant is not present in population databases (gnomAD no frequency). This sequence change replaces proline, which is neutral and non-polar, with threonine, which is neutral and polar, at codon 1083 of the RECQL4 protein (p.Pro1083Thr).